The following is an entry in ClinVar:

NM_006929.5(SKIC2):c.1577del (p.Lys526fs)

Gene: SKIC2 (SKI2 subunit of superkiller complex; plus strand). Cytogenetic location: 6p21.33.
Variant type: Deletion.
Coding change: c.1577del on transcript NM_006929.5 (MANE Select); coding-DNA position 1577, one base deleted (A; older notation c.1577delA).
Protein change: p.Lys526fs; shifts the reading frame from lysine 526.
Molecular consequence: frameshift variant.
Genome position (GRCh38, 1-based): chr6:31,963,663, A deleted; the last of 2 consecutive A bases (chr6:31,963,662-31,963,663); deleting either gives the same sequence. VCF-style (leftmost placement, unchanged base first): chr6-31963661-GA-G. GRCh37 (hg19) VCF-style: chr6-31931438-GA-G.
Other names: short protein forms K526fs.
Identifiers: ClinVar variation 5007020 (VCV005007020.2).

ClinVar aggregate classification (germline): Likely pathogenic (1 of 4 stars; one submission).

Conditions:
Trichohepatoenteric syndrome 2 (THES2). Identifiers: Orphanet 84064, MedGen C3281289, MONDO:0013818, OMIM 614602.

Submission:

Juno Genomics, Hangzhou Juno Genomics, Inc
Classification: Likely pathogenic for Trichohepatoenteric syndrome 2. Review status: criteria provided, single submitter. Criteria: ACMG Guidelines, 2015. Collection method: clinical testing. Allele origin: germline.
Comment: Null variant in a gene where loss of function (LOF) is a known mechanism of disease.;Absent from controls (or at extremely low frequency if recessive) in Genome Aggregation Database.